The following is an entry in ClinVar:

NM_000191.3(HMGCL):c.409A>G (p.Lys137Glu)

Gene: HMGCL (3-hydroxy-3-methylglutaryl-CoA lyase; minus strand). Cytogenetic location: 1p36.11.
Variant type: single nucleotide variant.
Coding change: c.409A>G on transcript NM_000191.3 (MANE Select); coding-DNA position 409, A replaced by G.
Protein change: p.Lys137Glu; replaces lysine 137 with glutamic acid.
Molecular consequence: missense variant. On other transcripts: intron variant (1).
Genome position (GRCh38, 1-based): chr1:23,814,278, T>C on the plus strand (A>G on the coding strand, the complement: HMGCL is on the minus strand). VCF-style: chr1-23814278-T-C. GRCh37 (hg19) VCF-style: chr1-24140768-T-C.
Other names: c.348+2397A>G (NM_001166059.2); short protein forms K137E.
Identifiers: ClinVar variation 955673 (VCV000955673.7), dbSNP rs377359510, ClinGen allele CA19295765.

ClinVar aggregate classification (germline): Uncertain significance (1 of 4 stars; one submission).

Conditions:
Deficiency of hydroxymethylglutaryl-CoA lyase (HMGCLD). Also called: HMG-CoA LYASE DEFICIENCY; HMGCL DEFICIENCY; HYDROXYMETHYLGLUTARIC ACIDURIA; Defect in leucine metabolism; 3-hydroxy-3-methylglutaric aciduria. Identifiers: Orphanet 20, MedGen C1533587, MONDO:0009520, OMIM 246450.

Allele frequency attached by ClinVar (database versions not stated): gnomAD 0.00001 and 0.00002; TOPMed 0.00001; ESP Exome Variant Server 0.00008.
gnomAD v4.1: 2 of 1,613,896 alleles (0.00012%); highest among the groups gnomAD compares: African/African-American, 0.0027%; no homozygotes.

Submission:

Labcorp Genetics (formerly Invitae), Labcorp
Classification: Uncertain significance for Deficiency of hydroxymethylglutaryl-CoA lyase. Last evaluated: 2021-09-01. Review status: criteria provided, single submitter. Criteria: Invitae Variant Classification Sherloc (09022015). Collection method: clinical testing. Allele origin: germline.
Comment: This sequence change replaces lysine with glutamic acid at codon 137 of the HMGCL protein (p.Lys137Glu). The lysine residue is highly conserved and there is a small physicochemical difference between lysine and glutamic acid. This variant is not present in population databases (ExAC no frequency). This variant has not been reported in the literature in individuals affected with HMGCL-related conditions. Algorithms developed to predict the effect of missense changes on protein structure and function are either unavailable or do not agree on the potential impact of this missense change (SIFT: "Deleterious"; PolyPhen-2: "Benign"; Align-GVGD: "Class C55"). In summary, the available evidence is currently insufficient to determine the role of this variant in disease. Therefore, it has been classified as a Variant of Uncertain Significance.